The following is an entry in ClinVar:

ClinVar aggregate classification (germline): other (0 of 4 stars; one submission).

Conditions:
Familial colorectal cancer. Identifiers: MedGen CN280943, MONDO:0023113. Disease mechanism: loss of function.

Submission:

Systems Biology Platform Zhejiang California International NanoSystems Institute
Classification: other for Familial colorectal cancer. Review status: no assertion criteria provided. Collection method: not provided. Allele origin: unknown.
ClinVar note: Converted during submission from cancer to other.

NM_000038.6(APC):c.532-2262C>A

Gene: APC (APC regulator of WNT signaling pathway; plus strand). Cytogenetic location: 5q22.2.
Variant type: single nucleotide variant.
Coding change: c.532-2262C>A on transcript NM_000038.6 (MANE Select); 2262 bases into the intron before coding-DNA position 532, C replaced by A.
Molecular consequence: intron variant.
Genome position (GRCh38, 1-based): chr5:112,778,528, C>A. VCF-style: chr5-112778528-C-A. GRCh37 (hg19) VCF-style: chr5-112114225-C-A.
Other names: c.532-2262C>A (NM_001354895.2, NM_001127510.3, NM_001354896.2 and 2 more transcripts); c.562-2262C>A (NM_001354897.2, NM_001354902.2, NM_001127511.3); c.457-2262C>A (NM_001354898.2, NM_001354904.2); c.-504-2262C>A (NM_001354906.2); c.355-2262C>A (NM_001354900.2, NM_001354901.2, NM_001354905.2).
Identifiers: ClinVar variation 82431 (VCV000082431.2), dbSNP rs76698999, ClinGen allele CA010260.